The following is an entry in ClinVar:

NM_013275.6(ANKRD11):c.3657_3658del (p.Asp1219fs)

Gene: ANKRD11 (ankyrin repeat domain 11; minus strand). Cytogenetic location: 16q24.3.
Variant type: Deletion.
Coding change: c.3657_3658del on transcript NM_013275.6 (MANE Select); coding-DNA positions 3657 to 3658, 2 bases deleted (CA; older notation c.3657_3658delCA).
Protein change: p.Asp1219fs; shifts the reading frame from aspartic acid 1219.
Molecular consequence: frameshift variant.
Genome position (GRCh38, 1-based): chr16:89,282,884-89,282,885, TG deleted on the plus strand (CA on the coding strand, the reverse complement: ANKRD11 is on the minus strand); deleting any 2 consecutive bases within chr16:89,282,884-89,282,886 gives the same sequence; the c. name uses the placement nearest the transcript's 3' end. VCF-style (leftmost placement, unchanged base first): chr16-89282883-CTG-C. GRCh37 (hg19) VCF-style: chr16-89349291-CTG-C.
Other names: c.3657_3658del, p.Asp1219fs (NM_001256182.2, NM_001256183.2); short protein forms D1219fs.
Identifiers: ClinVar variation 3897626 (VCV003897626.1).

ClinVar aggregate classification (germline): Pathogenic (1 of 4 stars; one submission).

Conditions:
KBG syndrome (KBGS). Also called: ANKRD11-Related KBG Syndrome. Identifiers: Orphanet 2332, MedGen C0220687, MONDO:0007846, OMIM 148050.

Submission:

Genetics Laboratory, UDIAT-Centre Diagnòstic, Hospital Universitari Parc Tauli
Classification: Pathogenic for KBG syndrome. Last evaluated: 2023-10-31. Review status: criteria provided, single submitter. Criteria: ACMG Guidelines, 2015. Collection method: clinical testing. Allele origin: unknown. Inheritance: Autosomal dominant inheritance. Affected: yes.
Comment: PVS1_very strong;PM2_supporting;PM6_moderate